The following is an entry in ClinVar:

NM_001304438.2(TMEM132E):c.111G>T (p.Pro37=)

Gene: TMEM132E (transmembrane protein 132E; plus strand). Cytogenetic location: 17q12.
Variant type: single nucleotide variant.
Coding change: c.111G>T on transcript NM_001304438.2 (MANE Select); coding-DNA position 111, G replaced by T.
Protein change: p.Pro37=; no amino-acid change (proline 37 retained).
Molecular consequence: synonymous variant.
Genome position (GRCh38, 1-based): chr17:34,626,170, G>T. VCF-style: chr17-34626170-G-T. GRCh37 (hg19) VCF-style: chr17-32953189-G-T.
Other names: c.111G>T (NM_001304438.1).
Identifiers: ClinVar variation 1382833 (VCV001382833.12), dbSNP rs375386140, ClinGen allele CA8496374.

ClinVar aggregate classification (germline): Likely benign. Review status: criteria provided, multiple submitters, no conflicts (2 of 4 stars). 4 submissions from 4 submitters: Likely benign (3). 1 of the submissions does not count toward it. Last evaluated 2025-11-25.

Conditions:
TMEM132E-related disorder. Also called: TMEM132E-related condition.

Allele frequency attached by ClinVar (database versions not stated): ESP Exome Variant Server 0.00010; gnomAD 0.00012 and 0.00013; ExAC 0.00105.
gnomAD v4.1: 243 of 1,556,202 alleles (0.016%); highest among the groups gnomAD compares: Middle Eastern, 0.27%; no homozygotes.

Submissions (4):

Labcorp Genetics (formerly Invitae), Labcorp
Classification: Likely benign. Last evaluated: 2025-11-25. Review status: criteria provided, single submitter. Criteria: Invitae Variant Classification Sherloc (09022015). Collection method: clinical testing. Allele origin: germline.

Blueprint Genetics
Classification: Likely benign. Last evaluated: 2024-09-10. Review status: criteria provided, single submitter. Criteria: ACMG Guidelines, 2015. Collection method: clinical testing. Allele origin: germline.

Breakthrough Genomics
Classification: Likely benign. Review status: criteria provided, single submitter. Criteria: ACMG Guidelines, 2015. Collection method: not provided. Allele origin: germline. Inheritance: Autosomal recessive inheritance. Affected: yes.

PreventionGenetics, part of Exact Sciences
Classification: Likely benign for TMEM132E-related condition. Last evaluated: 2019-04-22. Review status: no assertion criteria provided. Collection method: clinical testing. Allele origin: germline. Not counted in ClinVar's aggregate classification.
Comment: This variant is classified as likely benign based on ACMG/AMP sequence variant interpretation guidelines (Richards et al. 2015 PMID: 25741868, with internal and published modifications).